The following is an entry in ClinVar:

NM_000400.4(ERCC2):c.1859T>A (p.Met620Lys)

Gene: ERCC2 (ERCC excision repair 2, TFIIH core complex helicase subunit; minus strand). Cytogenetic location: 19q13.32.
Variant type: single nucleotide variant.
Coding change: c.1859T>A on transcript NM_000400.4 (MANE Select); coding-DNA position 1859, T replaced by A.
Protein change: p.Met620Lys; replaces methionine 620 with lysine.
Molecular consequence: missense variant.
Genome position (GRCh38, 1-based): chr19:45,352,789, A>T on the plus strand (T>A on the coding strand, the complement: ERCC2 is on the minus strand). VCF-style: chr19-45352789-A-T. GRCh37 (hg19) VCF-style: chr19-45856047-A-T.
Other names: short protein forms M620K.
Identifiers: ClinVar variation 3509847 (VCV003509847.1).

ClinVar aggregate classification (germline): Uncertain significance (1 of 4 stars; one submission).

Conditions:
Inborn genetic diseases. Identifiers: MedGen C0950123, MeSH D030342.

Submission:

Ambry Genetics
Classification: Uncertain significance for Inborn genetic diseases. Last evaluated: 2024-08-19. Review status: criteria provided, single submitter. Criteria: Ambry Variant Classification Scheme 2023. Collection method: clinical testing. Allele origin: germline.
Comment: The p.M620K variant (also known as c.1859T>A), located in coding exon 20 of the ERCC2 gene, results from a T to A substitution at nucleotide position 1859. The methionine at codon 620 is replaced by lysine, an amino acid with similar properties. This amino acid position is conserved. In addition, this alteration is predicted to be deleterious by in silico analysis. Based on the available evidence, the clinical significance of this variant remains unclear.